The following is an entry in ClinVar:

ClinVar aggregate classification (germline): Uncertain significance (1 of 4 stars; one submission).

Allele frequency attached by ClinVar (database versions not stated): TOPMed 0.00001; gnomAD exomes 0.00007.
gnomAD v4.1: 73 of 1,200,026 alleles (0.0061%); highest among the groups gnomAD compares: Non-Finnish European, 0.0075%; no homozygotes.

Submission:

CeGaT Center for Human Genetics Tuebingen
Classification: Uncertain significance. Last evaluated: 2026-04-01. Review status: criteria provided, single submitter. Criteria: CeGaT Center For Human Genetics Tuebingen Variant Classification Criteria Version 2. Collection method: clinical testing. Allele origin: germline. Affected: yes. Observed: 2 variant alleles.
Comment: VWA1: PM2

NM_022834.5(VWA1):c.1255G>A (p.Ala419Thr)

Gene: VWA1 (von Willebrand factor A domain containing 1; plus strand). Cytogenetic location: 1p36.33.
Variant type: single nucleotide variant.
Coding change: c.1255G>A on transcript NM_022834.5 (MANE Select); coding-DNA position 1255, G replaced by A.
Protein change: p.Ala419Thr; replaces alanine 419 with threonine.
Molecular consequence: missense variant. On other transcripts: 3 prime UTR variant (1).
Genome position (GRCh38, 1-based): chr1:1,439,704, G>A. VCF-style: chr1-1439704-G-A. GRCh37 (hg19) VCF-style: chr1-1375084-G-A.
Other names: c.*665G>A (NM_199121.3); short protein forms A419T.
Identifiers: ClinVar variation 3239565 (VCV003239565.19), dbSNP rs1480000287.